The following is an entry in ClinVar:

ClinVar aggregate classification (germline): Uncertain significance (1 of 4 stars; one submission).

gnomAD v4.1: 12 of 1,614,004 alleles (0.00074%); highest among the groups gnomAD compares: Non-Finnish European, 0.001%; no homozygotes.

Submission:

Labcorp Genetics (formerly Invitae), Labcorp
Classification: Uncertain significance. Last evaluated: 2025-11-17. Review status: criteria provided, single submitter. Criteria: Invitae Variant Classification Sherloc (09022015). Collection method: clinical testing. Allele origin: germline.
Comment: This sequence change replaces arginine, which is basic and polar, with serine, which is neutral and polar, at codon 344 of the CYP11A1 protein (p.Arg344Ser). This variant is present in population databases (rs560966443, gnomAD 0.002%). This variant has not been reported in the literature in individuals affected with CYP11A1-related conditions. Invitae Evidence Modeling of protein sequence and biophysical properties (such as structural, functional, and spatial information, amino acid conservation, physicochemical variation, residue mobility, and thermodynamic stability) has been performed for this missense variant. However, the output from this modeling did not meet the statistical confidence thresholds required to predict the impact of this variant on CYP11A1 protein function. In summary, the available evidence is currently insufficient to determine the role of this variant in disease. Therefore, it has been classified as a Variant of Uncertain Significance.

NM_000781.3(CYP11A1):c.1030C>A (p.Arg344Ser)

Gene: CYP11A1 (cytochrome P450 family 11 subfamily A member 1; minus strand). Cytogenetic location: 15q24.1.
Variant type: single nucleotide variant.
Coding change: c.1030C>A on transcript NM_000781.3 (MANE Select); coding-DNA position 1030, C replaced by A.
Protein change: p.Arg344Ser; replaces arginine 344 with serine.
Molecular consequence: missense variant.
Genome position (GRCh38, 1-based): chr15:74,339,714, G>T on the plus strand (C>A on the coding strand, the complement: CYP11A1 is on the minus strand). VCF-style: chr15-74339714-G-T. GRCh37 (hg19) VCF-style: chr15-74632055-G-T.
Other names: c.556C>A, p.Arg186Ser (NM_001099773.2); short protein forms R186S, R344S.
Identifiers: ClinVar variation 4694498 (VCV004694498.1).
Genomic context (GRCh38, chr15:74,339,714, plus strand): 5'-GGGCCTGGTGCCGCGCAGCCAAGACCTCTGCCCGCAGCATATCCTGCACCTTCAGGTTGC[G>T]TGCCATCTCATACAAGTGCCACTGCAGGGTCATGGACGTCTGGTGGGGAGTAGGGTATAC-3'
Protein context (NP_000772.2, residues 334-354): TLQWHLYEMA[Arg344Ser]NLKVQDMLRA